The following is an entry in ClinVar:

NM_024747.6(HPS6):c.2323C>G (p.Leu775Val)

Gene: HPS6 (HPS6 biogenesis of lysosomal organelles complex 2 subunit 3; plus strand). Cytogenetic location: 10q24.32.
Variant type: single nucleotide variant.
Coding change: c.2323C>G on transcript NM_024747.6 (MANE Select); coding-DNA position 2323, C replaced by G.
Protein change: p.Leu775Val; replaces leucine 775 with valine.
Molecular consequence: missense variant.
Genome position (GRCh38, 1-based): chr10:102,067,797, C>G. VCF-style: chr10-102067797-C-G. GRCh37 (hg19) VCF-style: chr10-103827554-C-G.
Other names: short protein forms L775V.
Identifiers: ClinVar variation 878698 (VCV000878698.8), dbSNP rs4917959, ClinGen allele CA5660162.

ClinVar aggregate classification (germline): Uncertain significance. Review status: criteria provided, multiple submitters, no conflicts (2 of 4 stars). 2 submissions from 2 submitters: Uncertain significance (2). Last evaluated 2021-08-26.

Conditions:
Hermansky-Pudlak syndrome 6 (HPS6). Identifiers: Orphanet 231512, Orphanet 79430, MedGen C3888007, MONDO:0013558, OMIM 614075.

Allele frequency attached by ClinVar (database versions not stated): gnomAD 0.00001; TOPMed 0.00002.
gnomAD v4.1: 21 of 1,612,952 alleles (0.0013%); highest among the groups gnomAD compares: Non-Finnish European, 0.0017%; no homozygotes.

Submissions (2):

Labcorp Genetics (formerly Invitae), Labcorp
Classification: Uncertain significance. Last evaluated: 2021-08-26. Review status: criteria provided, single submitter. Criteria: Invitae Variant Classification Sherloc (09022015). Collection method: clinical testing. Allele origin: germline.
Comment: This sequence change replaces leucine with valine at codon 775 of the HPS6 protein (p.Leu775Val). The leucine residue is weakly conserved and there is a small physicochemical difference between leucine and valine. This variant is present in population databases (rs4917959, ExAC 0.002%). This missense change has been observed in individual(s) with a bleeding and/or platelet disorder (PMID: 25949529). ClinVar contains an entry for this variant (Variation ID: 878698). Algorithms developed to predict the effect of missense changes on protein structure and function are either unavailable or do not agree on the potential impact of this missense change (SIFT: "Tolerated"; PolyPhen-2: "Possibly Damaging"; Align-GVGD: "Class C0"). In summary, the available evidence is currently insufficient to determine the role of this variant in disease. Therefore, it has been classified as a Variant of Uncertain Significance.

Illumina Laboratory Services, Illumina
Classification: Uncertain significance for Hermansky-Pudlak syndrome 6. Last evaluated: 2017-04-28. Review status: criteria provided, single submitter. Criteria: ICSL Variant Classification Criteria 13 December 2019. Collection method: clinical testing. Allele origin: germline.
Comment: This variant was observed as part of a predisposition screen in an ostensibly healthy population. A literature search was performed for the gene, cDNA change, and amino acid change (where applicable). Publications were found based on this search. However, the evidence from the literature, in combination with allele frequency data from public databases where available, was not sufficient to rule this variant in or out of causing disease. Therefore, this variant is classified as a variant of unknown significance.

Literature cited by the submitters: PubMed 25949529 (cited by Labcorp Genetics (formerly Invitae), Labcorp and Illumina Laboratory Services, Illumina); PubMed 20158590 (cited by Illumina Laboratory Services, Illumina).